The following is an entry in ClinVar:

ClinVar aggregate classification (germline): Uncertain significance. Review status: criteria provided, multiple submitters, no conflicts (2 of 4 stars). 4 submissions from 3 submitters: Uncertain significance (4). Last evaluated 2025-02-09.

Conditions:
Congenital multicore myopathy with external ophthalmoplegia (CMYO1B). Also called: MULTICORE MYOPATHY; Minicore myopathy with external ophthalmoplegia; Congenital myopathy 1B, autosomal recessive; Minicore myopathy; MULTIMINICORE DISEASE WITH EXTERNAL OPHTHALMOPLEGIA. Identifiers: Orphanet 598, Orphanet 98905, MedGen C1850674, MONDO:0009712, OMIM 255320, HP:0003789.
Malignant hyperthermia, susceptibility to, 1 (MHS1). Also called: Anesthesia related hyperthermia; Malignant hyperpyrexia; Fulminating hyperpyrexia; Pharmacogenic myopathy; RYR1-Related Malignant Hyperthermia Susceptibility; Malignant hyperthermia suceptibility 1. Identifiers: Orphanet 423, MedGen C2930980, MONDO:0007783, OMIM 145600.

Allele frequency attached by ClinVar (database versions not stated): gnomAD 0.00001; TOPMed 0.00001; gnomAD exomes 0.00002; ESP Exome Variant Server 0.00008.

Submissions (4):

GeneDx
Classification: Uncertain significance. Last evaluated: 2025-02-09. Review status: criteria provided, single submitter. Criteria: GeneDx Variant Classification Process June 2021. Collection method: clinical testing. Allele origin: germline. Affected: yes.
Comment: Not observed at significant frequency in large population cohorts (gnomAD); In silico analysis supports that this missense variant has a deleterious effect on protein structure/function; Has not been previously published as pathogenic or benign to our knowledge

All of Us Research Program, National Institutes of Health
Classification: Uncertain significance for Malignant hyperthermia, susceptibility to, 1. Last evaluated: 2024-06-09. Review status: criteria provided, single submitter. Criteria: ACMG Guidelines, 2015. Collection method: clinical testing. Allele origin: germline. Inheritance: Autosomal dominant inheritance. Observed: 5 variant alleles, 5 heterozygotes.
Comment: This missense variant replaces isoleucine with asparagine at codon 3912 of the RYR1 protein. Computational prediction suggests that this variant may have deleterious impact on protein structure and function (internally defined REVEL score threshold >= 0.7, PMID: 27666373). To our knowledge, functional studies have not been reported for this variant. This variant has not been reported in individuals affected with RYR1-related disorders in the literature. This variant has not been identified in the general population by the Genome Aggregation Database (gnomAD). The available evidence is insufficient to determine the role of this variant in disease conclusively. Therefore, this variant is classified as a Variant of Uncertain Significance.

This study involves interpretation of variants in research participants for the purpose of population health screening. Participant phenotype was not available at the time of variant classification. Additional details can be found in publication PMID: 35346344, PMCID: PMC8962531

Illumina Laboratory Services, Illumina
Classification: Uncertain significance for Malignant hyperthermia, susceptibility to, 1. Last evaluated: 2018-01-12. Review status: criteria provided, single submitter. Criteria: ICSL Variant Classification Criteria 13 December 2019. Collection method: clinical testing. Allele origin: germline.

Illumina Laboratory Services, Illumina
Classification: Uncertain significance for Congenital multicore myopathy with external ophthalmoplegia. Last evaluated: 2018-01-12. Review status: criteria provided, single submitter. Criteria: ICSL Variant Classification Criteria 13 December 2019. Collection method: clinical testing. Allele origin: germline.

NM_000540.3(RYR1):c.11735T>A (p.Ile3912Asn)

Gene: RYR1 (ryanodine receptor 1; plus strand). Cytogenetic location: 19q13.2.
Variant type: single nucleotide variant.
Coding change: c.11735T>A on transcript NM_000540.3 (MANE Select); coding-DNA position 11735, T replaced by A.
Protein change: p.Ile3912Asn; replaces isoleucine 3912 with asparagine.
Molecular consequence: missense variant.
Genome position (GRCh38, 1-based): chr19:38,543,392, T>A. VCF-style: chr19-38543392-T-A. GRCh37 (hg19) VCF-style: chr19-39034032-T-A.
Other names: c.11720T>A, p.Ile3907Asn (NM_001042723.2); short protein forms I3912N, I3907N.
Identifiers: ClinVar variation 329110 (VCV000329110.9), dbSNP rs150588606, ClinGen allele CA10652420.